The following is an entry in ClinVar:

NM_000094.4(COL7A1):c.5278C>T (p.Pro1760Ser)

Gene: COL7A1 (collagen type VII alpha 1 chain; minus strand). Cytogenetic location: 3p21.31.
Variant type: single nucleotide variant.
Coding change: c.5278C>T on transcript NM_000094.4 (MANE Select); coding-DNA position 5278, C replaced by T.
Protein change: p.Pro1760Ser; replaces proline 1760 with serine.
Molecular consequence: missense variant.
Genome position (GRCh38, 1-based): chr3:48,579,398, G>A on the plus strand (C>T on the coding strand, the complement: COL7A1 is on the minus strand). VCF-style: chr3-48579398-G-A. GRCh37 (hg19) VCF-style: chr3-48616831-G-A.
Other names: short protein forms P1760S.
Identifiers: ClinVar variation 3685456 (VCV003685456.2).

ClinVar aggregate classification (germline): Uncertain significance (1 of 4 stars; one submission).

gnomAD v4.1: 5 of 1,614,152 alleles (0.00031%); highest among the groups gnomAD compares: Non-Finnish European, 0.00042%; no homozygotes.

Submission:

Labcorp Genetics (formerly Invitae), Labcorp
Classification: Uncertain significance. Last evaluated: 2024-05-13. Review status: criteria provided, single submitter. Criteria: Invitae Variant Classification Sherloc (09022015). Collection method: clinical testing. Allele origin: germline.
Comment: This sequence change replaces proline, which is neutral and non-polar, with serine, which is neutral and polar, at codon 1760 of the COL7A1 protein (p.Pro1760Ser). This variant is not present in population databases (gnomAD no frequency). This variant has not been reported in the literature in individuals affected with COL7A1-related conditions. Advanced modeling of protein sequence and biophysical properties (such as structural, functional, and spatial information, amino acid conservation, physicochemical variation, residue mobility, and thermodynamic stability) performed at Invitae indicates that this missense variant is not expected to disrupt COL7A1 protein function with a negative predictive value of 95%. In summary, the available evidence is currently insufficient to determine the role of this variant in disease. Therefore, it has been classified as a Variant of Uncertain Significance.